The following is an entry in ClinVar:

NM_001256012.3(MYH10):c.2555G>A (p.Arg852Gln)

Genes: MYH10 (myosin heavy chain 10; minus strand), LOC126862486 (BRD4-independent group 4 enhancer GRCh37_chr17:8416542-8417741; plus strand). Cytogenetic location: 17p13.1.
Variant type: single nucleotide variant.
Coding change: c.2555G>A on transcript NM_001256012.3 (MANE Select); coding-DNA position 2555, G replaced by A.
Protein change: p.Arg852Gln; replaces arginine 852 with glutamine.
Molecular consequence: missense variant.
Genome position (GRCh38, 1-based): chr17:8,513,844, C>T on the plus strand (G>A on the coding strand, the complement: MYH10 is on the minus strand). VCF-style: chr17-8513844-C-T. GRCh37 (hg19) VCF-style: chr17-8417162-C-T.
Other names: c.2489G>A, p.Arg830Gln (NM_001256095.2); c.2492G>A, p.Arg831Gln (NM_001375266.1); c.2462G>A, p.Arg821Gln (NM_005964.5); short protein forms R821Q, R830Q, R831Q, R852Q.
Identifiers: ClinVar variation 3600721 (VCV003600721.4).

ClinVar aggregate classification (germline): Pathogenic (1 of 4 stars; one submission).

gnomAD v4.1: 1 of 1,614,214 alleles (0.000062%); highest among the groups gnomAD compares: Non-Finnish European, 0.000085%; no homozygotes.

Submission:

GeneDx
Classification: Pathogenic. Last evaluated: 2026-07-30. Review status: criteria provided, single submitter. Criteria: GeneDx Variant Classification Process June 2021. Collection method: clinical testing. Allele origin: germline.
Comment: Not observed at significant frequency in large population cohorts (gnomAD); In silico analysis supports that this missense variant has a deleterious effect on protein structure/function; This variant is associated with the following publications: (PMID: 37463579, 35980381)